The following is an entry in ClinVar:

NM_052867.4(NALCN):c.457G>A (p.Ala153Thr)

Gene: NALCN (sodium leak channel, non-selective; minus strand). Cytogenetic location: 13q33.1.
Variant type: single nucleotide variant.
Coding change: c.457G>A on transcript NM_052867.4 (MANE Select); coding-DNA position 457, G replaced by A.
Protein change: p.Ala153Thr; replaces alanine 153 with threonine.
Molecular consequence: missense variant.
Genome position (GRCh38, 1-based): chr13:101,376,975, C>T on the plus strand (G>A on the coding strand, the complement: NALCN is on the minus strand). VCF-style: chr13-101376975-C-T. GRCh37 (hg19) VCF-style: chr13-102029326-C-T.
Other names: c.457G>A, p.Ala153Thr (NM_001350748.2, NM_001350749.2, NM_001350750.2 and 1 more transcripts); short protein forms A153T.
Identifiers: ClinVar variation 2715540 (VCV002715540.3), dbSNP rs2548589231, ClinGen allele CA388705674.

ClinVar aggregate classification (germline): Uncertain significance (1 of 4 stars; one submission).

Submission:

Labcorp Genetics (formerly Invitae), Labcorp
Classification: Uncertain significance. Last evaluated: 2023-07-26. Review status: criteria provided, single submitter. Criteria: Invitae Variant Classification Sherloc (09022015). Collection method: clinical testing. Allele origin: germline.
Comment: In summary, the available evidence is currently insufficient to determine the role of this variant in disease. Therefore, it has been classified as a Variant of Uncertain Significance. Advanced modeling of protein sequence and biophysical properties (such as structural, functional, and spatial information, amino acid conservation, physicochemical variation, residue mobility, and thermodynamic stability) performed at Invitae indicates that this missense variant is not expected to disrupt NALCN protein function. This variant has not been reported in the literature in individuals affected with NALCN-related conditions. This variant is not present in population databases (gnomAD no frequency). This sequence change replaces alanine, which is neutral and non-polar, with threonine, which is neutral and polar, at codon 153 of the NALCN protein (p.Ala153Thr).